The following is an entry in ClinVar:

ClinVar aggregate classification (germline): Uncertain significance (1 of 4 stars; one submission).

Allele frequency attached by ClinVar (database versions not stated): ExAC 0.00001; gnomAD 0.00001.
gnomAD v4.1: 8 of 1,614,096 alleles (0.0005%); highest among the groups gnomAD compares: Non-Finnish European, 0.00068%; no homozygotes.

Submission:

Labcorp Genetics (formerly Invitae), Labcorp
Classification: Uncertain significance. Last evaluated: 2024-06-11. Review status: criteria provided, single submitter. Criteria: Invitae Variant Classification Sherloc (09022015). Collection method: clinical testing. Allele origin: germline.
Comment: This sequence change replaces serine, which is neutral and polar, with isoleucine, which is neutral and non-polar, at codon 1023 of the TCF20 protein (p.Ser1023Ile). This variant is present in population databases (rs745589180, gnomAD 0.003%). This variant has not been reported in the literature in individuals affected with TCF20-related conditions. An algorithm developed to predict the effect of missense changes on protein structure and function (PolyPhen-2) suggests that this variant is likely to be disruptive. In summary, the available evidence is currently insufficient to determine the role of this variant in disease. Therefore, it has been classified as a Variant of Uncertain Significance.

NM_001378418.1(TCF20):c.3068G>T (p.Ser1023Ile)

Gene: TCF20 (transcription factor 20; minus strand). Cytogenetic location: 22q13.2.
Variant type: single nucleotide variant.
Coding change: c.3068G>T on transcript NM_001378418.1 (MANE Select); coding-DNA position 3068, G replaced by T.
Protein change: p.Ser1023Ile; replaces serine 1023 with isoleucine.
Molecular consequence: missense variant.
Genome position (GRCh38, 1-based): chr22:42,212,238, C>A on the plus strand (G>T on the coding strand, the complement: TCF20 is on the minus strand). VCF-style: chr22-42212238-C-A. GRCh37 (hg19) VCF-style: chr22-42608244-C-A.
Other names: c.3068G>T, p.Ser1023Ile (NM_005650.4, NM_181492.3); short protein forms S1023I.
Identifiers: ClinVar variation 2893139 (VCV002893139.3), dbSNP rs745589180, ClinGen allele CA10266905.